The following is an entry in ClinVar:

ClinVar aggregate classification (germline): Benign/Likely benign. Review status: criteria provided, multiple submitters, no conflicts (2 of 4 stars). 10 submissions from 10 submitters: Benign (4); Likely benign (3). 3 of the submissions do not count toward it. Last evaluated 2026-01-21.

Conditions:
Autosomal dominant limb-girdle muscular dystrophy type 1D (DNAJB6) (LGMDD1). Also called: MUSCULAR DYSTROPHY, LIMB-GIRDLE, TYPE 1D; MUSCULAR DYSTROPHY, AUTOSOMAL DOMINANT, WITH RIMMED VACUOLES; Autosomal dominant limb-girdle muscular dystrophy type 1D; Muscular dystrophy, limb-girdle, autosomal dominant 1. Identifiers: Orphanet 34516, MedGen C4721885, MONDO:0021018, OMIM 603511.

Allele frequency attached by ClinVar (database versions not stated): 1000 Genomes Project 30x 0.00047; 1000 Genomes Project 0.00060; ExAC 0.00138; gnomAD 0.00185 and 0.00191; ESP Exome Variant Server 0.00208; TOPMed 0.00216.
gnomAD v4.1: 4,542 of 1,613,626 alleles (0.28%); highest among the groups gnomAD compares: Non-Finnish European, 0.36%; 8 homozygotes.

Submissions (10):

Labcorp Genetics (formerly Invitae), Labcorp
Classification: Likely benign for Autosomal dominant limb-girdle muscular dystrophy type 1D (DNAJB6). Last evaluated: 2026-01-21. Review status: criteria provided, single submitter. Criteria: Invitae Variant Classification Sherloc (09022015). Collection method: clinical testing. Allele origin: germline.

Athena Diagnostics
Classification: Benign. Last evaluated: 2025-06-27. Review status: criteria provided, single submitter. Criteria: Athena Diagnostics Criteria. Collection method: clinical testing. Allele origin: unknown.
Comment: The frequency of this variant in the general population is higher than would generally be expected for pathogenic variants in this gene. Computational tools yielded predictions that this variant is unlikely to have an effect on normal RNA splicing.

Women's Health and Genetics/Laboratory Corporation of America, LabCorp
Classification: Benign. Last evaluated: 2025-03-25. Review status: criteria provided, single submitter. Criteria: LabCorp Variant Classification Summary - May 2015. Collection method: clinical testing. Allele origin: germline.

CeGaT Center for Human Genetics Tuebingen
Classification: Likely benign. Last evaluated: 2024-04-01. Review status: criteria provided, single submitter. Criteria: CeGaT Center For Human Genetics Tuebingen Variant Classification Criteria Version 2. Collection method: clinical testing. Allele origin: germline. Affected: yes. Observed: 5 variant alleles.
Comment: DNAJB6: BP4, BS2

GeneDx
Classification: Benign. Last evaluated: 2020-03-02. Review status: criteria provided, single submitter. Criteria: GeneDx Variant Classification Process June 2021. Collection method: clinical testing. Allele origin: germline. Affected: yes.

Illumina Laboratory Services, Illumina
Classification: Likely benign for Autosomal dominant limb-girdle muscular dystrophy type 1D (DNAJB6). Last evaluated: 2017-04-27. Review status: criteria provided, single submitter. Criteria: ICSL Variant Classification Criteria 13 December 2019. Collection method: clinical testing. Allele origin: germline.
Comment: This variant was observed as part of a predisposition screen in an ostensibly healthy population. A literature search was performed for the gene, cDNA change, and amino acid change (where applicable). No publications were found based on this search. Allele frequency data from public databases allowed determination this variant is unlikely to cause disease. Therefore, this variant is classified as likely benign.

Eurofins Ntd Llc (ga)
Classification: Benign. Last evaluated: 2015-07-10. Review status: criteria provided, single submitter. Criteria: EGL Classification Definitions 2015. Collection method: clinical testing. Allele origin: germline. Observed: 3 variant alleles, 3 heterozygotes.

Clinical Genetics DNA and cytogenetics Diagnostics Lab, Erasmus MC, Erasmus Medical Center
Classification: Likely benign. Review status: no assertion criteria provided. Collection method: clinical testing. Allele origin: germline. Affected: yes. Study: VKGL Data-share Consensus. Not counted in ClinVar's aggregate classification.

Genome Diagnostics Laboratory, University Medical Center Utrecht
Classification: Likely benign. Review status: no assertion criteria provided. Collection method: clinical testing. Allele origin: germline. Affected: yes. Study: VKGL Data-share Consensus. Not counted in ClinVar's aggregate classification.

Laboratory of Diagnostic Genome Analysis, Leiden University Medical Center (LUMC)
Classification: Likely benign. Review status: no assertion criteria provided. Collection method: clinical testing. Allele origin: germline. Affected: yes. Study: VKGL Data-share Consensus. Not counted in ClinVar's aggregate classification.

Literature cited by the submitters: PubMed 27642634 (cited by Athena Diagnostics); PubMed 28422763 (cited by Athena Diagnostics).

NM_058246.4(DNAJB6):c.279C>T (p.Phe93=)

Gene: DNAJB6 (DnaJ heat shock protein family (Hsp40) member B6; plus strand). Cytogenetic location: 7q36.3.
Variant type: single nucleotide variant.
Coding change: c.279C>T on transcript NM_058246.4 (MANE Select); coding-DNA position 279, C replaced by T.
Protein change: p.Phe93=; no amino-acid change (phenylalanine 93 retained).
Molecular consequence: synonymous variant.
Genome position (GRCh38, 1-based): chr7:157,367,416, C>T. VCF-style: chr7-157367416-C-T. GRCh37 (hg19) VCF-style: chr7-157160110-C-T.
Other names: c.279C>T, p.Phe93= (NM_001363676.1, NM_005494.3).
Identifiers: ClinVar variation 281272 (VCV000281272.49), dbSNP rs149278319, ClinGen allele CA4590452.